The following is an entry in ClinVar:

ClinVar aggregate classification (germline): Benign/Likely benign. Review status: criteria provided, multiple submitters, no conflicts (2 of 4 stars). 8 submissions from 6 submitters: Benign (1); Likely benign (6). 1 of the submissions does not count toward it. Last evaluated 2024-11-01.

Conditions:
Junctional epidermolysis bullosa gravis of Herlitz. Also called: Epidermolysis Bullosa Letalis; EPIDERMOLYSIS BULLOSA JUNCTIONALIS, HERLITZ TYPE; EPIDERMOLYSIS BULLOSA, JUNCTIONAL, HERLITZ-PEARSON TYPE; Herlitz-type junctional epidermolysis bullosa; EPIDERMOLYSIS BULLOSA, JUNCTIONAL 1B, SEVERE; JEB-HERLITZ TYPE. Identifiers: Orphanet 79404, MedGen C0079683, MONDO:0009182, OMIM 226700.
Junctional epidermolysis bullosa, non-Herlitz type. Also called: Adult junctional epidermolysis bullosa; EPIDERMOLYSIS BULLOSA JUNCTIONALIS, DISENTIS TYPE; EPIDERMOLYSIS BULLOSA JUNCTIONALIS, NON-HERLITZ TYPE; EPIDERMOLYSIS BULLOSA JUNCTIONALIS, PROGRESSIVE; EPIDERMOLYSIS BULLOSA JUNCTIONALIS, SEVERE NONLETHAL; Epidermolysis bullosa, junctional, non-herlitz type, somatic mosaic revertant. Identifiers: Orphanet 251393, Orphanet 79402, Orphanet 79405, Orphanet 89840, MedGen C0268374, MONDO:0009180, OMIM 226650.
Laryngo-onycho-cutaneous syndrome (JEB2C). Also called: SHABBIR SYNDROME; EPIDERMOLYSIS BULLOSA, JUNCTIONAL 2C, LARYNGOONYCHOCUTANEOUS; LOGIC SYNDROME. Identifiers: Orphanet 2407, MedGen C1328355, MONDO:0009513, OMIM 245660.
LAMA3-related disorder. Also called: LAMA3-related disorders; LAMA3-related condition.

Allele frequency attached by ClinVar (database versions not stated): gnomAD exomes 0.00052 and 0.00072; gnomAD 0.00040 and 0.00044; ESP Exome Variant Server 0.00064; 1000 Genomes Project 30x 0.00047; 1000 Genomes Project 0.00060; TOPMed 0.00061; ExAC 0.00071.
gnomAD v4.1: 881 of 1,613,484 alleles (0.055%); highest among the groups gnomAD compares: Middle Eastern, 1.3%; 4 homozygotes.

Submissions (8):

Blueprint Genetics
Classification: Likely benign. Last evaluated: 2024-11-01. Review status: criteria provided, single submitter. Criteria: ACMG Guidelines, 2015. Collection method: clinical testing. Allele origin: germline.

Genome-Nilou Lab
Classification: Likely benign for Junctional epidermolysis bullosa, non-Herlitz type. Last evaluated: 2021-07-14. Review status: criteria provided, single submitter. Criteria: ACMG Guidelines, 2015. Collection method: clinical testing. Allele origin: germline. Affected: no.

Genome-Nilou Lab
Classification: Likely benign for Junctional epidermolysis bullosa gravis of Herlitz. Last evaluated: 2021-07-14. Review status: criteria provided, single submitter. Criteria: ACMG Guidelines, 2015. Collection method: clinical testing. Allele origin: germline. Affected: no.

Genome-Nilou Lab
Classification: Likely benign for Laryngo-onycho-cutaneous syndrome. Last evaluated: 2021-07-14. Review status: criteria provided, single submitter. Criteria: ACMG Guidelines, 2015. Collection method: clinical testing. Allele origin: germline. Affected: no.

CeGaT Center for Human Genetics Tuebingen
Classification: Likely benign. Last evaluated: 2021-03-01. Review status: criteria provided, single submitter. Criteria: CeGaT Center For Human Genetics Tuebingen Variant Classification Criteria Version 2. Collection method: clinical testing. Allele origin: germline. Affected: yes. Observed: 1 variant allele.

Labcorp Genetics (formerly Invitae), Labcorp
Classification: Benign. Last evaluated: 2020-10-19. Review status: criteria provided, single submitter. Criteria: Invitae Variant Classification Sherloc (09022015). Collection method: clinical testing. Allele origin: germline.

Breakthrough Genomics
Classification: Likely benign. Review status: criteria provided, single submitter. Criteria: ACMG Guidelines, 2015. Collection method: not provided. Allele origin: germline. Inheritance: Autosomal recessive inheritance. Affected: yes.

PreventionGenetics, part of Exact Sciences
Classification: Likely benign for LAMA3-related condition. Last evaluated: 2023-12-18. Review status: no assertion criteria provided. Collection method: clinical testing. Allele origin: germline. Not counted in ClinVar's aggregate classification.
Comment: This variant is classified as likely benign based on ACMG/AMP sequence variant interpretation guidelines (Richards et al. 2015 PMID: 25741868, with internal and published modifications).

NM_198129.4(LAMA3):c.4557C>T (p.Val1519=)

Gene: LAMA3 (laminin subunit alpha 3; plus strand). Cytogenetic location: 18q11.2.
Variant type: single nucleotide variant.
Coding change: c.4557C>T on transcript NM_198129.4 (MANE Select); coding-DNA position 4557, C replaced by T.
Protein change: p.Val1519=; no amino-acid change (valine 1519 retained).
Molecular consequence: synonymous variant.
Genome position (GRCh38, 1-based): chr18:23,861,780, C>T. VCF-style: chr18-23861780-C-T. GRCh37 (hg19) VCF-style: chr18-21441744-C-T.
Other names: c.4557C>T (NM_198129.2); c.4557C>T, p.Val1519= (NM_001127717.4).
Identifiers: ClinVar variation 722472 (VCV000722472.46), dbSNP rs202215313, ClinGen allele CA8915644.